The following is an entry in ClinVar:

ClinVar aggregate classification (germline): Likely pathogenic (1 of 4 stars; one submission).

Conditions:
Anauxetic dysplasia. Identifiers: Orphanet 93347, MedGen C1846796, MONDO:0011773.

Submission:

Labcorp Genetics (formerly Invitae), Labcorp
Classification: Likely pathogenic for Anauxetic dysplasia. Last evaluated: 2020-06-13. Review status: criteria provided, single submitter. Criteria: Invitae Variant Classification Sherloc (09022015). Collection method: clinical testing. Allele origin: germline.
Comment: In summary, the currently available evidence indicates that the variant is pathogenic, but additional data are needed to prove that conclusively. Therefore, this variant has been classified as Likely Pathogenic. While functional studies for this variant have not been reported, experimental analyses using patient derived cells, as well as in vitro transfection studies, have shown that promoter insertions result in silencing of RMRP transcription and reduced expression of the gene product (PMID: 11207361, 16254002). While this particular variant has not been reported in the literature, it is located in the promoter region between the TATA box and the transcription initiation site, and other insertions and duplications immediately upstream of the coding sequence have been reported in individuals affected with cartilage-hair hypoplasia-anauxetic dysplasia (CHH-AD) spectrum disorders (PMID: 16244706, 11207361, 12107819). The frequency data for this variant in the population databases is considered unreliable, as metrics indicate insufficient coverage at this position in the ExAC database. This variant occurs in the RMRP gene, which encodes an RNA molecule that does not result in a protein product.

Literature cited by the submitters: PubMed 11207361; PubMed 16254002; PubMed 16244706; PubMed 12107819.

NC_000009.12:g.35658032CACAGAGTA[4]

Gene: RMRP (RNA component of mitochondrial RNA processing endoribonuclease; minus strand). Cytogenetic location: 9p13.3.
Variant type: Microsatellite.
Genome position: GRCh38 VCF-style: chr9-35658031-T-TCACAGAGTACACAGAGTACACAGAGTA. GRCh37 (hg19) VCF-style: chr9-35658028-T-TCACAGAGTACACAGAGTACACAGAGTA.
Identifiers: ClinVar variation 1067863 (VCV001067863.9), dbSNP rs1563908167, ClinGen allele CA2580616191.